The following is an entry in ClinVar:

NM_001843.4(CNTN1):c.895A>G (p.Asn299Asp)

Gene: CNTN1 (contactin 1; plus strand). Cytogenetic location: 12q12.
Variant type: single nucleotide variant.
Coding change: c.895A>G on transcript NM_001843.4 (MANE Select); coding-DNA position 895, A replaced by G.
Protein change: p.Asn299Asp; replaces asparagine 299 with aspartic acid.
Molecular consequence: missense variant.
Genome position (GRCh38, 1-based): chr12:40,933,788, A>G. VCF-style: chr12-40933788-A-G. GRCh37 (hg19) VCF-style: chr12-41327590-A-G.
Other names: c.895A>G, p.Asn299Asp (NM_001256063.2, NM_001256064.2); c.862A>G, p.Asn288Asp (NM_175038.2); short protein forms N288D, N299D.
Identifiers: ClinVar variation 1704181 (VCV001704181.2), dbSNP rs1945982590, ClinGen allele CA384423337.

ClinVar aggregate classification (germline): Uncertain significance (1 of 4 stars; one submission).

Allele frequency attached by ClinVar (database versions not stated): gnomAD exomes below 0.00001; TOPMed below 0.00001.
gnomAD v4.1: 1 of 1,612,430 alleles (0.000062%); highest among the groups gnomAD compares: South Asian, 0.0011%; no homozygotes.

Submission:

GeneDx
Classification: Uncertain significance. Last evaluated: 2022-02-28. Review status: criteria provided, single submitter. Criteria: GeneDx Variant Classification Process June 2021. Collection method: clinical testing. Allele origin: germline. Affected: yes.
Comment: Not observed at significant frequency in large population cohorts (gnomAD); In silico analysis supports that this missense variant has a deleterious effect on protein structure/function; Has not been previously published as pathogenic or benign to our knowledge